The following is an entry in ClinVar:

ClinVar aggregate classification (germline): Pathogenic (0 of 4 stars; one submission).

Submission:

GenMed Metabolism Lab
Classification: Pathogenic. Review status: no assertion criteria provided. Collection method: not provided. Allele origin: unknown.
ClinVar note: Converted during submission from pathogenic to Pathogenic.

NM_000531.5(OTC):c.664-1delG

Gene: OTC (ornithine transcarbamylase; plus strand). Cytogenetic location: Xp11.4.
Variant type: Deletion.
Coding change: c.664-1delG on transcript NM_000531.5; the canonical splice acceptor site of the intron before coding-DNA position 664, one base deleted (G).
Genome position (GRCh38, 1-based): chrX:38,408,743, G deleted; the last of 3 consecutive G bases (chrX:38,408,741-38,408,743); deleting any one gives the same sequence. VCF-style (leftmost placement, unchanged base first): chrX-38408740-AG-A. GRCh37 (hg19) VCF-style: chrX-38267993-AG-A.
Identifiers: ClinVar variation 97289 (VCV000097289.4), dbSNP rs67839039, ClinGen allele CA224738.
Genomic context (GRCh38, chrX:38,408,740, plus strand): 5'-ATATTTAAGAAAACATGTATAATAAAATTACCTAAATAAGATTTAAATTCTTCCTCCTTT[AG>A]GGTTATGAGCCGGATGCTAGTGTAACCAAGTTGGCAGAGCAGTATGCCAAAGAGGTATGC-3'